The following is an entry in ClinVar:

NM_032888.4(COL27A1):c.3610-2A>G

Gene: COL27A1 (collagen type XXVII alpha 1 chain; plus strand). Cytogenetic location: 9q32.
Variant type: single nucleotide variant.
Coding change: c.3610-2A>G on transcript NM_032888.4 (MANE Select); the canonical splice acceptor site of the intron before coding-DNA position 3610, A replaced by G.
Molecular consequence: splice acceptor variant.
Genome position (GRCh38, 1-based): chr9:114,275,659, A>G. VCF-style: chr9-114275659-A-G. GRCh37 (hg19) VCF-style: chr9-117037939-A-G.
Identifiers: ClinVar variation 1066528 (VCV001066528.7), dbSNP rs2135665946, ClinGen allele CA374598120.

ClinVar aggregate classification (germline): Likely pathogenic (1 of 4 stars; one submission).

Submission:

Labcorp Genetics (formerly Invitae), Labcorp
Classification: Likely pathogenic. Last evaluated: 2020-09-10. Review status: criteria provided, single submitter. Criteria: Invitae Variant Classification Sherloc (09022015). Collection method: clinical testing. Allele origin: germline.
Comment: This sequence change affects an acceptor splice site in intron 36 of the COL27A1 gene. It is expected to disrupt RNA splicing and likely results in an absent or disrupted protein product. This variant has not been reported in the literature in individuals with COL27A1-related conditions. In summary, the currently available evidence indicates that the variant is pathogenic, but additional data are needed to prove that conclusively. Therefore, this variant has been classified as Likely Pathogenic. Donor and acceptor splice site variants typically lead to a loss of protein function (PMID: 16199547), and loss-of-function variants in COL27A1 are known to be pathogenic (PMID: 24986830, 28276056). Algorithms developed to predict the effect of sequence changes on RNA splicing suggest that this variant may disrupt the consensus splice site, but this prediction has not been confirmed by published transcriptional studies. This variant is not present in population databases (ExAC no frequency).

Literature cited by the submitters: PubMed 16199547; PubMed 24986830; PubMed 28276056.